The following is an entry in ClinVar:

NM_015311.3(OBSL1):c.1007_1012+29del

Gene: OBSL1 (obscurin like cytoskeletal adaptor 1; minus strand). Cytogenetic location: 2q35.
Variant type: Deletion.
Coding change: c.1007_1012+29del on transcript NM_015311.3 (MANE Select); coding-DNA position 1007 through 29 bases into the intron after coding-DNA position 1012, 35 bases deleted.
Molecular consequence: splice donor variant.
Genome position (GRCh38, 1-based): chr2:219,570,192-219,570,226, 35 bases deleted; deleting any 35 consecutive bases within chr2:219,570,192-219,570,227 gives the same sequence; the c. name uses the placement nearest the transcript's 3' end. GRCh37 (hg19): chr2:220,434,915-220,434,949.
Other names: c.1007_1012+29del (NM_001173431.2, NM_001173408.2).
Identifiers: ClinVar variation 1489382 (VCV001489382.6), dbSNP rs1025372068, ClinGen allele CA66038653.

ClinVar aggregate classification (germline): Likely pathogenic (1 of 4 stars; one submission).

Submission:

Labcorp Genetics (formerly Invitae), Labcorp
Classification: Likely pathogenic. Last evaluated: 2026-01-12. Review status: criteria provided, single submitter. Criteria: Invitae Variant Classification Sherloc (09022015). Collection method: clinical testing. Allele origin: germline.
Comment: This variant results in the deletion of part of exon 1 of the OBSL1 gene. It is expected to disrupt RNA splicing. Variants that disrupt the donor or acceptor splice site typically lead to a loss of protein function (PMID: 16199547), and loss-of-function variants in OBSL1 are known to be pathogenic (PMID: 19481195, 19877176). This variant is present in population databases (no rsID available, gnomAD 0.002%). This variant has not been reported in the literature in individuals affected with OBSL1-related conditions. ClinVar contains an entry for this variant (Variation ID: 1489382). In summary, the currently available evidence indicates that the variant is pathogenic, but additional data are needed to prove that conclusively. Therefore, this variant has been classified as Likely Pathogenic.

Literature cited by the submitters: PubMed 16199547; PubMed 19481195; PubMed 19877176.